The following is an entry in ClinVar:

NM_015340.4(LARS2):c.573A>T (p.Lys191Asn)

Gene: LARS2 (leucyl-tRNA synthetase 2, mitochondrial; plus strand). Cytogenetic location: 3p21.31.
Variant type: single nucleotide variant.
Coding change: c.573A>T on transcript NM_015340.4 (MANE Select); coding-DNA position 573, A replaced by T.
Protein change: p.Lys191Asn; replaces lysine 191 with asparagine.
Molecular consequence: missense variant.
Genome position (GRCh38, 1-based): chr3:45,446,947, A>T. VCF-style: chr3-45446947-A-T. GRCh37 (hg19) VCF-style: chr3-45488439-A-T.
Other names: c.573A>T, p.Lys191Asn (NM_001368263.1); short protein forms K191N.
Identifiers: ClinVar variation 5037161 (VCV005037161.1).

ClinVar aggregate classification (germline): Uncertain significance (1 of 4 stars; one submission).

gnomAD v4.1: 4 of 1,610,092 alleles (0.00025%); highest among the groups gnomAD compares: African/African-American, 0.004%; no homozygotes.

Submission:

GeneDx
Classification: Uncertain significance. Last evaluated: 2026-04-20. Review status: criteria provided, single submitter. Criteria: GeneDx Variant Classification Process June 2021. Collection method: clinical testing. Allele origin: germline.
Comment: Not observed at significant frequency in large population cohorts (gnomAD); In silico analysis supports that this missense variant has a deleterious effect on protein structure/function; Has not been previously published as pathogenic or benign to our knowledge